The following is an entry in ClinVar:

NM_206933.4(USH2A):c.12806C>T (p.Pro4269Leu)

Gene: USH2A (usherin; minus strand). Cytogenetic location: 1q41.
Variant type: single nucleotide variant.
Coding change: c.12806C>T on transcript NM_206933.4 (MANE Select); coding-DNA position 12806, C replaced by T.
Protein change: p.Pro4269Leu; replaces proline 4269 with leucine.
Molecular consequence: missense variant.
Genome position (GRCh38, 1-based): chr1:215,675,105, G>A on the plus strand (C>T on the coding strand, the complement: USH2A is on the minus strand). VCF-style: chr1-215675105-G-A. GRCh37 (hg19) VCF-style: chr1-215848447-G-A.
Other names: short protein forms P4269L.
Identifiers: ClinVar variation 1486072 (VCV001486072.5), dbSNP rs1553252475, ClinGen allele CA344849008.

ClinVar aggregate classification (germline): Uncertain significance (1 of 4 stars; one submission).

gnomAD v4.1: 1 of 1,614,096 alleles (0.000062%); no homozygotes.

Submission:

Labcorp Genetics (formerly Invitae), Labcorp
Classification: Uncertain significance. Last evaluated: 2021-08-31. Review status: criteria provided, single submitter. Criteria: Invitae Variant Classification Sherloc (09022015). Collection method: clinical testing. Allele origin: germline.
Comment: This sequence change replaces proline with leucine at codon 4269 of the USH2A protein (p.Pro4269Leu). The proline residue is highly conserved and there is a moderate physicochemical difference between proline and leucine. This variant is not present in population databases (ExAC no frequency). This variant has not been reported in the literature in individuals affected with USH2A-related conditions. Algorithms developed to predict the effect of missense changes on protein structure and function (SIFT, PolyPhen-2, Align-GVGD) all suggest that this variant is likely to be disruptive. This variant disrupts the p.Pro4269 amino acid residue in USH2A. Other variant(s) that disrupt this residue have been observed in individuals with USH2A-related conditions (PMID: 20507924, 24944099), which suggests that this may be a clinically significant amino acid residue. In summary, the available evidence is currently insufficient to determine the role of this variant in disease. Therefore, it has been classified as a Variant of Uncertain Significance.

Literature cited by the submitters: PubMed 20507924; PubMed 24944099.